The following is an entry in ClinVar:

ClinVar aggregate classification (germline): Uncertain significance (1 of 4 stars; one submission).

Conditions:
ATP2B2-related disorder. Also called: ATP2B2-related condition.

gnomAD v4.1: 9 of 1,614,088 alleles (0.00056%); highest among the groups gnomAD compares: Middle Eastern, 0.082%; no homozygotes.

Submission:

PreventionGenetics, part of Exact Sciences
Classification: Uncertain significance for ATP2B2-related condition. Last evaluated: 2026-09-13. Review status: criteria provided, single submitter. Criteria: ACMG Guidelines, 2015. Collection method: clinical testing. Allele origin: germline.
Comment: The ATP2B2 c.1992G>A variant is not predicted to result in an amino acid change (p.=). This variant is predicted to alter splicing based on available splicing prediction software (SpliceAI, Jaganathan et al. 2019. PubMed ID: 30661751). However, the use of computer prediction software is not equivalent to functional evidence. To our knowledge, this variant has not been reported in the literature. This variant is reported in 0.0018% of alleles in individuals of European (Non-Finnish) descent in gnomAD. At this time, the clinical significance of this variant is uncertain due to the absence of conclusive functional and genetic evidence.

NM_001001331.4(ATP2B2):c.2127G>A (p.Val709=)

Gene: ATP2B2 (ATPase plasma membrane Ca2+ transporting 2; minus strand). Cytogenetic location: 3p25.3.
Variant type: single nucleotide variant.
Coding change: c.2127G>A on transcript NM_001001331.4 (MANE Select); coding-DNA position 2127, G replaced by A.
Protein change: p.Val709=; no amino-acid change (valine 709 retained).
Molecular consequence: synonymous variant.
Genome position (GRCh38, 1-based): chr3:10,358,700, C>T on the plus strand (G>A on the coding strand, the complement: ATP2B2 is on the minus strand). VCF-style: chr3-10358700-C-T. GRCh37 (hg19) VCF-style: chr3-10400384-C-T.
Other names: c.1992G>A, p.Val664= (NM_001330611.3, NM_001353564.1, NM_001363862.1 and 2 more transcripts); c.2034G>A, p.Val678= (NM_001438646.1).
Identifiers: ClinVar variation 4999265 (VCV004999265.1).
Genomic context (GRCh38, chr3:10,358,700, plus strand): 5'-GGCCTCCCAGCCTCATCCCCTTTCCCTGAGCTCGCTGGCCCTGGGGCCTACCTCTGGCCG[C>T]ACCGGGTCCTCGATGCCCACCACGCAGATGCAGGTGAGTTCGTTGAGGATGTCATTCTCA-3'
Protein context (NP_001001331.1, residues 699-719): CICVVGIEDP[Val709=]RPEVPEAIRK